The following is an entry in ClinVar:

NM_025136.4(OPA3):c.442G>T (p.Ala148Ser)

Genes: OPA3 (outer mitochondrial membrane lipid metabolism regulator OPA3; minus strand), OPA3-RTN2 (OPA3-RTN2 readthrough; minus strand). Cytogenetic location: 19q13.32.
Variant type: single nucleotide variant.
Coding change: c.442G>T on transcript NM_025136.4 (MANE Select); coding-DNA position 442, G replaced by T.
Protein change: p.Ala148Ser; replaces alanine 148 with serine.
Molecular consequence: missense variant. On other transcripts: intron variant (1).
Genome position (GRCh38, 1-based): chr19:45,553,612, C>A on the plus strand (G>T on the coding strand, the complement: OPA3 is on the minus strand). VCF-style: chr19-45553612-C-A. GRCh37 (hg19) VCF-style: chr19-46056870-C-A.
Other names: c.143-24156G>T (NM_001017989.3); short protein forms A148S.
Identifiers: ClinVar variation 3760529 (VCV003760529.3).
Genomic context (GRCh38, chr19:45,553,612, plus strand): 5'-GGCCGGGATTGCAGAGCTGGGCGCGCACCTCTTGCAGCTCTGTGCGCAGTTCCTCCAGGG[C>A]GCCCTGTGGCGGCGCCGCCTGCACCTGCGCCTGCAGCGCTTCCAGCGCCAGCGCCAGGTG-3'
Protein context (NP_079412.1, residues 138-158): AQVQAAPPQG[Ala148Ser]LEELRTELQE

ClinVar aggregate classification (germline): Uncertain significance. Review status: criteria provided, multiple submitters, no conflicts (2 of 4 stars). 2 submissions from 2 submitters: Uncertain significance (2). Last evaluated 2025-06-04.

Conditions:
Optic atrophy 3 (OPA3). Also called: OPTIC ATROPHY 3, AUTOSOMAL DOMINANT; Optic atrophy, cataract, and neurologic disorder; Optic atrophy 3 with cataract. Identifiers: Orphanet 67036, MedGen C1833809, MONDO:0008133, OMIM 165300.
3-Methylglutaconic aciduria type 3 (MGCA3). Also called: OPA3, AUTOSOMAL RECESSIVE; OPTIC ATROPHY 3, AUTOSOMAL RECESSIVE; OPA3-Related 3-Methylglutaconic Aciduria; Costeff Syndrome. Identifiers: Orphanet 67047, MedGen C0574084, MONDO:0009787, OMIM 258501.

gnomAD v4.1: 14 of 1,609,136 alleles (0.00087%); highest among the groups gnomAD compares: Middle Eastern, 0.033%; no homozygotes.

Submissions (2):

Labcorp Genetics (formerly Invitae), Labcorp
Classification: Uncertain significance for 3-Methylglutaconic aciduria type 3; Optic atrophy 3. Last evaluated: 2025-06-04. Review status: criteria provided, single submitter. Criteria: Invitae Variant Classification Sherloc (09022015). Collection method: clinical testing. Allele origin: germline.
Comment: This sequence change replaces alanine, which is neutral and non-polar, with serine, which is neutral and polar, at codon 148 of the OPA3 protein (p.Ala148Ser). This variant is present in population databases (rs771739856, gnomAD 0.01%). This variant has not been reported in the literature in individuals affected with OPA3-related conditions. ClinVar contains an entry for this variant (Variation ID: 3760529). An algorithm developed to predict the effect of missense changes on protein structure and function (PolyPhen-2) suggests that this variant is likely to be tolerated. In summary, the available evidence is currently insufficient to determine the role of this variant in disease. Therefore, it has been classified as a Variant of Uncertain Significance.

Blueprint Genetics
Classification: Uncertain significance. Last evaluated: 2021-07-30. Review status: criteria provided, single submitter. Criteria: ACMG Guidelines, 2015. Collection method: clinical testing. Allele origin: germline.